The following is an entry in ClinVar:

NM_002894.3(RBBP8):c.2024C>T (p.Thr675Ile)

Gene: RBBP8 (RB binding protein 8, endonuclease; plus strand). Cytogenetic location: 18q11.2.
Variant type: single nucleotide variant.
Coding change: c.2024C>T on transcript NM_002894.3 (MANE Select); coding-DNA position 2024, C replaced by T.
Protein change: p.Thr675Ile; replaces threonine 675 with isoleucine.
Molecular consequence: missense variant.
Genome position (GRCh38, 1-based): chr18:22,996,458, C>T. VCF-style: chr18-22996458-C-T. GRCh37 (hg19) VCF-style: chr18-20576421-C-T.
Other names: c.2024C>T, p.Thr675Ile (NM_203291.2, NM_203292.2); short protein forms T675I.
Identifiers: ClinVar variation 1447263 (VCV001447263.7), dbSNP rs186820592, ClinGen allele CA8910214.

ClinVar aggregate classification (germline): Conflicting classifications of pathogenicity. Review status: criteria provided, conflicting classifications (1 of 4 stars). 2 submissions from 2 submitters: Uncertain significance (1); Likely benign (1). Last evaluated 2026-02-01.

Conditions:
Jawad syndrome (JWDS). Also called: MICROCEPHALY WITH IMPAIRED INTELLECTUAL DEVELOPMENT AND DIGITAL ANOMALIES; KELLY SYNDROME. Identifiers: Orphanet 313795, MedGen C0796063, MONDO:0009622, OMIM 251255.
Seckel syndrome 2 (SCKL2). Also called: MICROCEPHALIC PRIMORDIAL DWARFISM 2; SECKEL-TYPE DWARFISM 2. Identifiers: Orphanet 808, MedGen C1847572, MONDO:0011715, OMIM 606744.

Allele frequency attached by ClinVar (database versions not stated): gnomAD 0.00005 and 0.00006; gnomAD exomes 0.00005 and 0.00007; TOPMed 0.00006; ExAC 0.00008; 1000 Genomes Project 30x 0.00016; 1000 Genomes Project 0.00020.
gnomAD v4.1: 80 of 1,613,310 alleles (0.005%); highest among the groups gnomAD compares: Middle Eastern, 0.083%; no homozygotes.

Submissions (2):

Labcorp Genetics (formerly Invitae), Labcorp
Classification: Uncertain significance. Last evaluated: 2026-02-01. Review status: criteria provided, single submitter. Criteria: Invitae Variant Classification Sherloc (09022015). Collection method: clinical testing. Allele origin: germline.
Comment: This sequence change replaces threonine, which is neutral and polar, with isoleucine, which is neutral and non-polar, at codon 675 of the RBBP8 protein (p.Thr675Ile). This variant is present in population databases (rs186820592, gnomAD 0.01%). This variant has not been reported in the literature in individuals affected with RBBP8-related conditions. ClinVar contains an entry for this variant (Variation ID: 1447263). Invitae Evidence Modeling of protein sequence and biophysical properties (such as structural, functional, and spatial information, amino acid conservation, physicochemical variation, residue mobility, and thermodynamic stability) indicates that this missense variant is not expected to disrupt RBBP8 protein function with a negative predictive value of 80%. In summary, the available evidence is currently insufficient to determine the role of this variant in disease. Therefore, it has been classified as a Variant of Uncertain Significance.

3billion
Classification: Likely benign for Jawad syndrome; Seckel syndrome 2. Last evaluated: 2024-09-20. Review status: criteria provided, single submitter. Criteria: ACMG Guidelines, 2015. Collection method: clinical testing. Allele origin: germline. Affected: no.
Comment: The homozygous variant was found in patients diagnosed with another variant in a different gene, with no symptoms related to the gene containing the homozygous variant.